The following is an entry in ClinVar:

ClinVar aggregate classification (germline): Uncertain significance. Review status: criteria provided, multiple submitters, no conflicts (2 of 4 stars). 2 submissions from 2 submitters: Uncertain significance (2). Last evaluated 2025-11-09.

Allele frequency attached by ClinVar (database versions not stated): TOPMed 0.00007; gnomAD 0.00009; ExAC 0.00012; ESP Exome Variant Server 0.00016.
gnomAD v4.1: 275 of 1,612,680 alleles (0.017%); highest among the groups gnomAD compares: Non-Finnish European, 0.023%; no homozygotes.

Submissions (2):

Labcorp Genetics (formerly Invitae), Labcorp
Classification: Uncertain significance. Last evaluated: 2025-11-09. Review status: criteria provided, single submitter. Criteria: Invitae Variant Classification Sherloc (09022015). Collection method: clinical testing. Allele origin: germline.
Comment: This sequence change replaces alanine, which is neutral and non-polar, with valine, which is neutral and non-polar, at codon 1321 of the CASZ1 protein (p.Ala1321Val). This variant is present in population databases (rs372548483, gnomAD 0.02%). This variant has not been reported in the literature in individuals affected with CASZ1-related conditions. ClinVar contains an entry for this variant (Variation ID: 1900661). An algorithm developed to predict the effect of missense changes on protein structure and function (PolyPhen-2) suggests that this variant is likely to be disruptive. In summary, the available evidence is currently insufficient to determine the role of this variant in disease. Therefore, it has been classified as a Variant of Uncertain Significance.

Ambry Genetics
Classification: Uncertain significance. Last evaluated: 2021-06-22. Review status: criteria provided, single submitter. Criteria: Ambry Variant Classification Scheme 2023. Collection method: clinical testing. Allele origin: germline.

NM_001079843.3(CASZ1):c.3962C>T (p.Ala1321Val)

Gene: CASZ1 (castor zinc finger 1; minus strand). Cytogenetic location: 1p36.22.
Variant type: single nucleotide variant.
Coding change: c.3962C>T on transcript NM_001079843.3 (MANE Select); coding-DNA position 3962, C replaced by T.
Protein change: p.Ala1321Val; replaces alanine 1321 with valine.
Molecular consequence: missense variant.
Genome position (GRCh38, 1-based): chr1:10,643,218, G>A on the plus strand (C>T on the coding strand, the complement: CASZ1 is on the minus strand). VCF-style: chr1-10643218-G-A. GRCh37 (hg19) VCF-style: chr1-10703275-G-A.
Other names: short protein forms A1321V.
Identifiers: ClinVar variation 1900661 (VCV001900661.6), dbSNP rs372548483, ClinGen allele CA584347.